The following is an entry in ClinVar:

NM_000428.3(LTBP2):c.4262C>T (p.Ala1421Val)

Gene: LTBP2 (latent transforming growth factor beta binding protein 2; minus strand). Cytogenetic location: 14q24.3.
Variant type: single nucleotide variant.
Coding change: c.4262C>T on transcript NM_000428.3 (MANE Select); coding-DNA position 4262, C replaced by T.
Protein change: p.Ala1421Val; replaces alanine 1421 with valine.
Molecular consequence: missense variant.
Genome position (GRCh38, 1-based): chr14:74,505,090, G>A on the plus strand (C>T on the coding strand, the complement: LTBP2 is on the minus strand). VCF-style: chr14-74505090-G-A. GRCh37 (hg19) VCF-style: chr14-74971793-G-A.
Other names: c.4262C>T (NM_000428.2); short protein forms A1421V.
Identifiers: ClinVar variation 1486737 (VCV001486737.6), dbSNP rs774548138, ClinGen allele CA7268807.
Genomic context (GRCh38, chr14:74,505,090, plus strand): 5'-CCCTGGGTGCAGCAGCATTCAGCCTGTGTGGTGTTCCGGCCCAGGACACTGGAGCAGGGC[G>A]CATGGCCCTTCTGCCCGGAGTAGCAGTCCATGCGGGTGGGGGCCGGGGCATGGTCCCCCG-3'
Protein context (NP_000419.1, residues 1411-1431): MDCYSGQKGH[Ala1421Val]PCSSVLGRNT

ClinVar aggregate classification (germline): Uncertain significance. Review status: criteria provided, multiple submitters, no conflicts (2 of 4 stars). 2 submissions from 2 submitters: Uncertain significance (2). Last evaluated 2024-03-05.

Conditions:
Inborn genetic diseases. Identifiers: MedGen C0950123, MeSH D030342.

Allele frequency attached by ClinVar (database versions not stated): gnomAD exomes below 0.00001; ExAC 0.00001; TOPMed 0.00002.
gnomAD v4.1: 6 of 1,613,936 alleles (0.00037%); highest among the groups gnomAD compares: African/African-American, 0.0027%; no homozygotes.

Submissions (2):

Labcorp Genetics (formerly Invitae), Labcorp
Classification: Uncertain significance. Last evaluated: 2024-03-05. Review status: criteria provided, single submitter. Criteria: Invitae Variant Classification Sherloc (09022015). Collection method: clinical testing. Allele origin: germline.
Comment: This sequence change replaces alanine, which is neutral and non-polar, with valine, which is neutral and non-polar, at codon 1421 of the LTBP2 protein (p.Ala1421Val). This variant is present in population databases (rs774548138, gnomAD 0.006%). This variant has not been reported in the literature in individuals affected with LTBP2-related conditions. ClinVar contains an entry for this variant (Variation ID: 1486737). An algorithm developed to predict the effect of missense changes on protein structure and function (PolyPhen-2) suggests that this variant¬†is likely to be tolerated. In summary, the available evidence is currently insufficient to determine the role of this variant in disease. Therefore, it has been classified as a Variant of Uncertain Significance.

Ambry Genetics
Classification: Uncertain significance for Inborn genetic diseases. Last evaluated: 2023-07-25. Review status: criteria provided, single submitter. Criteria: Ambry Variant Classification Scheme 2023. Collection method: clinical testing. Allele origin: germline.